The following is an entry in ClinVar:

ClinVar aggregate classification (germline): Likely benign (1 of 4 stars; one submission).

Allele frequency attached by ClinVar (database versions not stated): 1000 Genomes Project 0.00339; 1000 Genomes Project 30x 0.00344; TOPMed 0.00598; gnomAD 0.00693 and 0.00696.
gnomAD v4.1: 1,042 of 152,150 alleles (0.68%); highest among the groups gnomAD compares: Non-Finnish European, 0.94%; 1 homozygote.

Submission:

GeneDx
Classification: Likely benign. Last evaluated: 2018-06-19. Review status: criteria provided, single submitter. Criteria: GeneDx Variant Classification (06012015). Collection method: clinical testing. Allele origin: germline. Affected: yes.
Comment: This variant is considered likely benign or benign based on one or more of the following criteria: it is a conservative change, it occurs at a poorly conserved position in the protein, it is predicted to be benign by multiple in silico algorithms, and/or has population frequency not consistent with disease.

NM_001082538.3(TCTN1):c.341+313A>G

Gene: TCTN1 (tectonic family member 1; plus strand). Cytogenetic location: 12q24.11.
Variant type: single nucleotide variant.
Coding change: c.341+313A>G on transcript NM_001082538.3 (MANE Select); 313 bases into the intron after coding-DNA position 341, A replaced by G.
Molecular consequence: intron variant.
Genome position (GRCh38, 1-based): chr12:110,620,269, A>G. VCF-style: chr12-110620269-A-G. GRCh37 (hg19) VCF-style: chr12-111058074-A-G.
Other names: c.173+313A>G (NM_001173975.3, NM_001319682.3); c.161+313A>G (NM_001173976.2); c.-367+313A>G (NM_001319681.2); c.341+313A>G (NM_024549.6, NM_001082537.3, NM_001319680.2).
Identifiers: ClinVar variation 674286 (VCV000674286.1), dbSNP rs184304977, ClinGen allele CA243554812.